The following is an entry in ClinVar:

ClinVar aggregate classification (germline): Pathogenic (1 of 4 stars; one submission).

Submission:

Labcorp Genetics (formerly Invitae), Labcorp
Classification: Pathogenic. Last evaluated: 2023-08-30. Review status: criteria provided, single submitter. Criteria: Invitae Variant Classification Sherloc (09022015). Collection method: clinical testing. Allele origin: germline.
Comment: For these reasons, this variant has been classified as Pathogenic. ClinVar contains an entry for this variant (Variation ID: 1070985). This variant has not been reported in the literature in individuals affected with CDHR1-related conditions. This variant is not present in population databases (gnomAD no frequency). This sequence change creates a premature translational stop signal (p.Glu138Glyfs*129) in the CDHR1 gene. It is expected to result in an absent or disrupted protein product. Loss-of-function variants in CDHR1 are known to be pathogenic (PMID: 23044944, 23591405, 26103963, 26261414).

Literature cited by the submitters: PubMed 23044944; PubMed 23591405; PubMed 26103963; PubMed 26261414.

NM_033100.4(CDHR1):c.413del (p.Glu138fs)

Gene: CDHR1 (cadherin related family member 1; plus strand). Cytogenetic location: 10q23.1.
Variant type: Deletion.
Coding change: c.413del on transcript NM_033100.4 (MANE Select); coding-DNA position 413, one base deleted (A; older notation c.413delA).
Protein change: p.Glu138fs; shifts the reading frame from glutamic acid 138.
Molecular consequence: frameshift variant.
Genome position (GRCh38, 1-based): chr10:84,199,096, A deleted. VCF-style (leftmost placement, unchanged base first): chr10-84199095-GA-G. GRCh37 (hg19) VCF-style: chr10-85958851-GA-G.
Other names: c.413del, p.Glu138fs (NM_001171971.3); short protein forms E138fs.
Identifiers: ClinVar variation 1070985 (VCV001070985.7), dbSNP rs2132795062, ClinGen allele CA2499220406.